The following is an entry in ClinVar:

NM_006206.6(PDGFRA):c.1249A>T (p.Ile417Phe)

Gene: PDGFRA (platelet derived growth factor receptor alpha; plus strand). Cytogenetic location: 4q12.
Variant type: single nucleotide variant.
Coding change: c.1249A>T on transcript NM_006206.6 (MANE Select); coding-DNA position 1249, A replaced by T.
Protein change: p.Ile417Phe; replaces isoleucine 417 with phenylalanine.
Molecular consequence: missense variant.
Genome position (GRCh38, 1-based): chr4:54,272,405, A>T. VCF-style: chr4-54272405-A-T. GRCh37 (hg19) VCF-style: chr4-55138572-A-T.
Other names: c.1249A>T, p.Ile417Phe (NM_001347827.2, NM_001347829.2); c.1324A>T, p.Ile442Phe (NM_001347828.2); c.1288A>T, p.Ile430Phe (NM_001347830.2); short protein forms I417F, I430F, I442F.
Identifiers: ClinVar variation 960207 (VCV000960207.10), dbSNP rs1723449686, ClinGen allele CA356892158.

ClinVar aggregate classification (germline): Uncertain significance (1 of 4 stars; one submission).

Conditions:
Gastrointestinal stromal tumor. Also called: Gastrointestinal stromal tumor, somatic; Gastrointestinal stroma tumor. Identifiers: Orphanet 44890, MedGen C0238198, MeSH D046152, MONDO:0011719, OMIM 606764, HP:0100723.

Submission:

Labcorp Genetics (formerly Invitae), Labcorp
Classification: Uncertain significance for Gastrointestinal stromal tumor. Last evaluated: 2019-08-25. Review status: criteria provided, single submitter. Criteria: Invitae Variant Classification Sherloc (09022015). Collection method: clinical testing. Allele origin: germline.
Comment: In summary, the available evidence is currently insufficient to determine the role of this variant in disease. Therefore, it has been classified as a Variant of Uncertain Significance. Algorithms developed to predict the effect of missense changes on protein structure and function are either unavailable or do not agree on the potential impact of this missense change (SIFT: "Deleterious"; PolyPhen-2: "Possibly Damaging"; Align-GVGD: "Class C0"). This variant has not been reported in the literature in individuals with PDGFRA-related conditions. This variant is not present in population databases (ExAC no frequency). This sequence change replaces isoleucine with phenylalanine at codon 417 of the PDGFRA protein (p.Ile417Phe). The isoleucine residue is highly conserved and there is a small physicochemical difference between isoleucine and phenylalanine.